The following is an entry in ClinVar:

NM_018714.3(COG1):c.2617T>G (p.Ser873Ala)

Gene: COG1 (component of oligomeric golgi complex 1; plus strand). Cytogenetic location: 17q25.1.
Variant type: single nucleotide variant.
Coding change: c.2617T>G on transcript NM_018714.3 (MANE Select); coding-DNA position 2617, T replaced by G.
Protein change: p.Ser873Ala; replaces serine 873 with alanine.
Molecular consequence: missense variant.
Genome position (GRCh38, 1-based): chr17:73,206,260, T>G. VCF-style: chr17-73206260-T-G. GRCh37 (hg19) VCF-style: chr17-71202399-T-G.
Other names: short protein forms S873A.
Identifiers: ClinVar variation 889032 (VCV000889032.5), dbSNP rs139330442, ClinGen allele CA8740523.

ClinVar aggregate classification (germline): Uncertain significance. Review status: criteria provided, multiple submitters, no conflicts (2 of 4 stars). 2 submissions from 2 submitters: Uncertain significance (2). Last evaluated 2022-08-12.

Conditions:
COG1 congenital disorder of glycosylation (CDG2G). Also called: CONGENITAL DISORDER OF GLYCOSYLATION, TYPE IIg; CDG IIg; CDGII/COG1 CEREBROCOSTOMANDIBULAR-LIKE SYNDROME. Identifiers: Orphanet 263508, MedGen C2931011, MONDO:0012637, OMIM 611209.

Allele frequency attached by ClinVar (database versions not stated): gnomAD exomes 0.00001 and 0.00002; gnomAD 0.00003; ExAC 0.00004; TOPMed 0.00007; 1000 Genomes Project 30x 0.00016; 1000 Genomes Project 0.00020; ESP Exome Variant Server 0.00023.
gnomAD v4.1: 22 of 1,613,328 alleles (0.0014%); highest among the groups gnomAD compares: Middle Eastern, 0.05%; no homozygotes.

Submissions (2):

Labcorp Genetics (formerly Invitae), Labcorp
Classification: Uncertain significance for COG1 congenital disorder of glycosylation. Last evaluated: 2022-08-12. Review status: criteria provided, single submitter. Criteria: Invitae Variant Classification Sherloc (09022015). Collection method: clinical testing. Allele origin: germline.
Comment: This sequence change replaces serine, which is neutral and polar, with alanine, which is neutral and non-polar, at codon 873 of the COG1 protein (p.Ser873Ala). This variant is present in population databases (rs139330442, gnomAD 0.01%). This variant has not been reported in the literature in individuals affected with COG1-related conditions. ClinVar contains an entry for this variant (Variation ID: 889032). Algorithms developed to predict the effect of missense changes on protein structure and function (SIFT, PolyPhen-2, Align-GVGD) all suggest that this variant is likely to be tolerated. In summary, the available evidence is currently insufficient to determine the role of this variant in disease. Therefore, it has been classified as a Variant of Uncertain Significance.

Illumina Laboratory Services, Illumina
Classification: Uncertain significance for COG1 congenital disorder of glycosylation. Last evaluated: 2018-01-13. Review status: criteria provided, single submitter. Criteria: ICSL Variant Classification Criteria 13 December 2019. Collection method: clinical testing. Allele origin: germline.